The following is an entry in ClinVar:

ClinVar aggregate classification (germline): Uncertain significance (1 of 4 stars; one submission).

Submission:

Greenwood Genetic Center Diagnostic Laboratories, Greenwood Genetic Center
Classification: Uncertain significance. Last evaluated: 2025-05-13. Review status: criteria provided, single submitter. Criteria: ACMG Guidelines, 2015. Collection method: clinical testing. Allele origin: germline. Affected: yes.
Comment: PM2

NM_006160.4(NEUROD2):c.295G>A (p.Glu99Lys)

Gene: NEUROD2 (neuronal differentiation 2; minus strand). Cytogenetic location: 17q12.
Variant type: single nucleotide variant.
Coding change: c.295G>A on transcript NM_006160.4 (MANE Select); coding-DNA position 295, G replaced by A.
Protein change: p.Glu99Lys; replaces glutamic acid 99 with lysine.
Molecular consequence: missense variant.
Genome position (GRCh38, 1-based): chr17:39,606,305, C>T on the plus strand (G>A on the coding strand, the complement: NEUROD2 is on the minus strand). VCF-style: chr17-39606305-C-T. GRCh37 (hg19) VCF-style: chr17-37762558-C-T.
Other names: short protein forms E99K.
Identifiers: ClinVar variation 4538233 (VCV004538233.1).
Genomic context (GRCh38, chr17:39,606,305, plus strand): 5'-AGCGCTCCAAGCGCGCCTTGGTCATCTTGCGCTTCTTGGGCCCGCGCTTCTTGGGCCGCT[C>T]GCCCTCCGCCTCGTCCAGTCCTTCTTCCTCCTCCTCTTCCTCCTCCTCCTCTCCCCCCAG-3'
Protein context (NP_006151.3, residues 89-109): EEEGLDEAEG[Glu99Lys]RPKKRGPKKR